The following is an entry in ClinVar:

ClinVar aggregate classification (germline): Uncertain significance (1 of 4 stars; one submission).

Submission:

Labcorp Genetics (formerly Invitae), Labcorp
Classification: Uncertain significance. Last evaluated: 2025-01-29. Review status: criteria provided, single submitter. Criteria: Invitae Variant Classification Sherloc (09022015). Collection method: clinical testing. Allele origin: germline.
Comment: This sequence change replaces tyrosine, which is neutral and polar, with serine, which is neutral and polar, at codon 5 of the BEST1 protein (p.Tyr5Ser). This variant is not present in population databases (gnomAD no frequency). This missense change has been observed in individual(s) with autosomal dominant BEST1-related conditions (internal data). Invitae Evidence Modeling of protein sequence and biophysical properties (such as structural, functional, and spatial information, amino acid conservation, physicochemical variation, residue mobility, and thermodynamic stability) indicates that this missense variant is expected to disrupt BEST1 protein function with a positive predictive value of 95%. This variant disrupts the p.Tyr5 amino acid residue in BEST1. Other variant(s) that disrupt this residue have been observed in individuals with BEST1-related conditions (PMID: 21273940; internal data), which suggests that this may be a clinically significant amino acid residue. In summary, the available evidence is currently insufficient to determine the role of this variant in disease. Therefore, it has been classified as a Variant of Uncertain Significance.

Literature cited by the submitters: PubMed 21273940.

NM_004183.4(BEST1):c.14A>C (p.Tyr5Ser)

Gene: BEST1 (bestrophin 1; plus strand). Cytogenetic location: 11q12.3.
Variant type: single nucleotide variant.
Coding change: c.14A>C on transcript NM_004183.4 (MANE Select); coding-DNA position 14, A replaced by C.
Protein change: p.Tyr5Ser; replaces tyrosine 5 with serine.
Molecular consequence: missense variant. On other transcripts: non-coding transcript variant (1), intron variant (6).
Genome position (GRCh38, 1-based): chr11:61,951,820, A>C. VCF-style: chr11-61951820-A-C. GRCh37 (hg19) VCF-style: chr11-61719292-A-C.
Other names: c.14A>C, p.Tyr5Ser (NM_001363592.2, NM_001440571.1, NM_001440572.1 and 1 more transcripts); c.-29+1393A>C (NM_001139443.3, NM_001300787.2, NM_001440574.1 and 3 more transcripts); short protein forms Y5S.
Identifiers: ClinVar variation 3634168 (VCV003634168.2).